The following is an entry in ClinVar:

NM_001130009.3(GEN1):c.650T>C (p.Val217Ala)

Gene: GEN1 (GEN1 structure-specific endonuclease; plus strand). Cytogenetic location: 2p24.2.
Variant type: single nucleotide variant.
Coding change: c.650T>C on transcript NM_001130009.3 (MANE Select); coding-DNA position 650, T replaced by C.
Protein change: p.Val217Ala; replaces valine 217 with alanine.
Molecular consequence: missense variant.
Genome position (GRCh38, 1-based): chr2:17,768,751, T>C. VCF-style: chr2-17768751-T-C. GRCh37 (hg19) VCF-style: chr2-17950018-T-C.
Other names: c.650T>C, p.Val217Ala (NM_182625.5); short protein forms V217A.
Identifiers: ClinVar variation 4671444 (VCV004671444.1).

ClinVar aggregate classification (germline): Uncertain significance (1 of 4 stars; one submission).

Submission:

Ambry Genetics
Classification: Uncertain significance. Last evaluated: 2025-09-22. Review status: criteria provided, single submitter. Criteria: Ambry Variant Classification Scheme 2023. Collection method: clinical testing. Allele origin: germline.
Comment: The p.V217A variant (also known as c.650T>C), located in coding exon 5 of the GEN1 gene, results from a T to C substitution at nucleotide position 650. The valine at codon 217 is replaced by alanine, an amino acid with similar properties. This amino acid position is conserved. In addition, this alteration is predicted to be deleterious by in silico analysis. Based on the available evidence, the clinical significance of this variant remains unclear.